The following is an entry in ClinVar:

ClinVar aggregate classification (germline): Uncertain significance (1 of 4 stars; one submission).

Allele frequency attached by ClinVar (database versions not stated): TOPMed below 0.00001.

Submission:

Labcorp Genetics (formerly Invitae), Labcorp
Classification: Uncertain significance. Last evaluated: 2024-11-13. Review status: criteria provided, single submitter. Criteria: Invitae Variant Classification Sherloc (09022015). Collection method: clinical testing. Allele origin: germline.
Comment: This sequence change falls in intron 22 of the FAT2 gene. It does not directly change the encoded amino acid sequence of the FAT2 protein. It affects a nucleotide within the consensus splice site. This variant is not present in population databases (gnomAD no frequency). This variant has not been reported in the literature in individuals affected with FAT2-related conditions. ClinVar contains an entry for this variant (Variation ID: 2758888). Variants that disrupt the consensus splice site are a relatively common cause of aberrant splicing (PMID: 17576681, 9536098). Algorithms developed to predict the effect of sequence changes on RNA splicing suggest that this variant may disrupt the consensus splice site. In summary, the available evidence is currently insufficient to determine the role of this variant in disease. Therefore, it has been classified as a Variant of Uncertain Significance.

Literature cited by the submitters: PubMed 17576681; PubMed 9536098.

NM_001447.3(FAT2):c.12518-2A>T

Genes: FAT2 (FAT atypical cadherin 2; minus strand), SLC36A1 (solute carrier family 36 member 1; plus strand). Cytogenetic location: 5q33.1.
Variant type: single nucleotide variant.
Coding change: c.12518-2A>T on transcript NM_001447.3 (MANE Select); the canonical splice acceptor site of the intron before coding-DNA position 12518, A replaced by T.
Molecular consequence: splice acceptor variant.
Genome position (GRCh38, 1-based): chr5:151,506,099, T>A on the plus strand (A>T on the coding strand, the complement: FAT2 is on the minus strand). VCF-style: chr5-151506099-T-A. GRCh37 (hg19) VCF-style: chr5-150885660-T-A.
Identifiers: ClinVar variation 2758888 (VCV002758888.3), dbSNP rs750941139, ClinGen allele CA361816973.